The following is an entry in ClinVar:

ClinVar aggregate classification (germline): Likely pathogenic (1 of 4 stars; one submission).

Submission:

Mayo Clinic Laboratories, Mayo Clinic
Classification: Likely pathogenic. Last evaluated: 2019-09-27. Review status: criteria provided, single submitter. Criteria: ACMG Guidelines, 2015. Collection method: clinical testing. Allele origin: germline. Observed: 1 variant allele.
Comment: PM1, PM2, PM5, PP3

Literature cited by the submitters: PubMed 21255002; PubMed 27058983.

NM_000342.4(SLC4A1):c.2285G>T (p.Ser762Ile)

Gene: SLC4A1 (solute carrier family 4 member 1 (Diego blood group); minus strand). Cytogenetic location: 17q21.31.
Variant type: single nucleotide variant.
Coding change: c.2285G>T on transcript NM_000342.4 (MANE Select); coding-DNA position 2285, G replaced by T.
Protein change: p.Ser762Ile; replaces serine 762 with isoleucine.
Molecular consequence: missense variant.
Genome position (GRCh38, 1-based): chr17:44,253,144, C>A on the plus strand (G>T on the coding strand, the complement: SLC4A1 is on the minus strand). VCF-style: chr17-44253144-C-A. GRCh37 (hg19) VCF-style: chr17-42330512-C-A.
Other names: short protein forms S762I.
Identifiers: ClinVar variation 1163103 (VCV001163103.5), dbSNP rs2047357659, ClinGen allele CA399781424.